The following is an entry in ClinVar:

NM_006269.2(RP1):c.470T>A (p.Val157Glu)

Gene: RP1 (RP1 axonemal microtubule associated; plus strand). Cytogenetic location: 8q12.1.
Variant type: single nucleotide variant.
Coding change: c.470T>A on transcript NM_006269.2 (MANE Select); coding-DNA position 470, T replaced by A.
Protein change: p.Val157Glu; replaces valine 157 with glutamic acid.
Molecular consequence: missense variant.
Genome position (GRCh38, 1-based): chr8:54,621,436, T>A. VCF-style: chr8-54621436-T-A. GRCh37 (hg19) VCF-style: chr8-55533996-T-A.
Other names: c.470T>A (NM_006269.1); c.470T>A, p.Val157Glu (NM_001375654.1); short protein forms V157E.
Identifiers: ClinVar variation 1379389 (VCV001379389.7), dbSNP rs771020312, ClinGen allele CA370986967.

ClinVar aggregate classification (germline): Uncertain significance. Review status: criteria provided, multiple submitters, no conflicts (2 of 4 stars). 2 submissions from 2 submitters: Uncertain significance (2). Last evaluated 2024-12-19.

Conditions:
Inborn genetic diseases. Identifiers: MedGen C0950123, MeSH D030342.

gnomAD v4.1: 6 of 1,613,712 alleles (0.00037%); highest among the groups gnomAD compares: Non-Finnish European, 0.00042%; no homozygotes.

Submissions (2):

Ambry Genetics
Classification: Uncertain significance for Inborn genetic diseases. Last evaluated: 2024-12-19. Review status: criteria provided, single submitter. Criteria: Ambry Variant Classification Scheme 2023. Collection method: clinical testing. Allele origin: germline.

Labcorp Genetics (formerly Invitae), Labcorp
Classification: Uncertain significance. Last evaluated: 2022-05-15. Review status: criteria provided, single submitter. Criteria: Invitae Variant Classification Sherloc (09022015). Collection method: clinical testing. Allele origin: germline.
Comment: In summary, the available evidence is currently insufficient to determine the role of this variant in disease. Therefore, it has been classified as a Variant of Uncertain Significance. Algorithms developed to predict the effect of missense changes on protein structure and function (SIFT, PolyPhen-2, Align-GVGD) all suggest that this variant is likely to be disruptive. This sequence change replaces valine, which is neutral and non-polar, with glutamic acid, which is acidic and polar, at codon 157 of the RP1 protein (p.Val157Glu). This variant is present in population databases (no rsID available, gnomAD 0.002%). This missense change has been observed in individual(s) with autosomal dominant retinitis pigmentosa (Invitae).